The following is an entry in ClinVar:

ClinVar aggregate classification (germline): Uncertain significance (1 of 4 stars; one submission).

Submission:

GeneDx
Classification: Uncertain significance. Last evaluated: 2024-03-05. Review status: criteria provided, single submitter. Criteria: GeneDx Variant Classification Process June 2021. Collection method: clinical testing. Allele origin: germline. Affected: yes.
Comment: Not observed at significant frequency in large population cohorts (gnomAD); In silico analysis supports that this missense variant has a deleterious effect on protein structure/function; Has not been previously published as pathogenic or benign to our knowledge

NM_014516.4(CNOT3):c.628T>C (p.Tyr210His)

Gene: CNOT3 (CCR4-NOT transcription complex subunit 3; plus strand). Cytogenetic location: 19q13.42.
Variant type: single nucleotide variant.
Coding change: c.628T>C on transcript NM_014516.4 (MANE Select); coding-DNA position 628, T replaced by C.
Protein change: p.Tyr210His; replaces tyrosine 210 with histidine.
Molecular consequence: missense variant.
Genome position (GRCh38, 1-based): chr19:54,145,742, T>C. VCF-style: chr19-54145742-T-C. GRCh37 (hg19) VCF-style: chr19-54649478-T-C.
Other names: short protein forms Y210H.
Identifiers: ClinVar variation 3370621 (VCV003370621.1).